The following is an entry in ClinVar:

NM_020778.5(ALPK3):c.3818-3C>T

Gene: ALPK3 (alpha kinase 3; plus strand). Cytogenetic location: 15q25.3.
Variant type: single nucleotide variant.
Coding change: c.3818-3C>T on transcript NM_020778.5 (MANE Select); 3 bases into the intron before coding-DNA position 3818, C replaced by T.
Molecular consequence: intron variant.
Genome position (GRCh38, 1-based): chr15:84,859,240, C>T. VCF-style: chr15-84859240-C-T. GRCh37 (hg19) VCF-style: chr15-85402471-C-T.
Identifiers: ClinVar variation 1498718 (VCV001498718.8), dbSNP rs758948501, ClinGen allele CA7709742.

ClinVar aggregate classification (germline): Uncertain significance. Review status: criteria provided, multiple submitters, no conflicts (2 of 4 stars). 2 submissions from 2 submitters: Uncertain significance (2). Last evaluated 2025-08-09.

Conditions:
Cardiovascular phenotype. Identifiers: MedGen CN230736.

Allele frequency attached by ClinVar (database versions not stated): gnomAD 0.00001; TOPMed 0.00001; gnomAD exomes 0.00007 and 0.00012; ExAC 0.00013.
gnomAD v4.1: 107 of 1,613,884 alleles (0.0066%); highest among the groups gnomAD compares: South Asian, 0.11%; no homozygotes.

Submissions (2):

Labcorp Genetics (formerly Invitae), Labcorp
Classification: Uncertain significance. Last evaluated: 2025-08-09. Review status: criteria provided, single submitter. Criteria: Invitae Variant Classification Sherloc (09022015). Collection method: clinical testing. Allele origin: germline.
Comment: This sequence change falls in intron 6 of the ALPK3 gene. It does not directly change the encoded amino acid sequence of the ALPK3 protein. It affects a nucleotide within the consensus splice site. This variant is present in population databases (rs758948501, gnomAD 0.1%). This variant has not been reported in the literature in individuals affected with ALPK3-related conditions. ClinVar contains an entry for this variant (Variation ID: 1498718). Variants that disrupt the consensus splice site are a relatively common cause of aberrant splicing (PMID: 17576681, 9536098). Algorithms developed to predict the effect of sequence changes on RNA splicing suggest that this variant is not likely to affect RNA splicing. In summary, the available evidence is currently insufficient to determine the role of this variant in disease. Therefore, it has been classified as a Variant of Uncertain Significance.

Ambry Genetics
Classification: Uncertain significance for Cardiovascular phenotype. Last evaluated: 2023-11-30. Review status: criteria provided, single submitter. Criteria: Ambry Variant Classification Scheme 2023. Collection method: clinical testing. Allele origin: germline.
Comment: The c.4424-3C>T intronic variant results from a C to T substitution 3 nucleotides upstream from coding exon 7 in the ALPK3 gene. This nucleotide position is highly conserved in available vertebrate species. In silico splice site analysis predicts that this alteration will not have any significant effect on splicing. Since supporting evidence is limited at this time, the clinical significance of this alteration remains unclear.

Literature cited by the submitters: PubMed 17576681 (cited by Labcorp Genetics (formerly Invitae), Labcorp); PubMed 9536098 (cited by Labcorp Genetics (formerly Invitae), Labcorp).